The following is an entry in ClinVar:

NM_001261826.3(AP3D1):c.612C>T (p.Val204=)

Gene: AP3D1 (adaptor related protein complex 3 subunit delta 1; minus strand). Cytogenetic location: 19p13.3.
Variant type: single nucleotide variant.
Coding change: c.612C>T on transcript NM_001261826.3 (MANE Select); coding-DNA position 612, C replaced by T.
Protein change: p.Val204=; no amino-acid change (valine 204 retained).
Molecular consequence: synonymous variant.
Genome position (GRCh38, 1-based): chr19:2,129,438, G>A on the plus strand (C>T on the coding strand, the complement: AP3D1 is on the minus strand). VCF-style: chr19-2129438-G-A. GRCh37 (hg19) VCF-style: chr19-2129437-G-A.
Other names: p.Val204=; c.612C>T, p.Val204= (NM_001374799.1, NM_003938.8).
Identifiers: ClinVar variation 751915 (VCV000751915.10), dbSNP rs375652867, ClinGen allele CA9059636.

ClinVar aggregate classification (germline): Likely benign. Review status: criteria provided, multiple submitters, no conflicts (2 of 4 stars). 3 submissions from 3 submitters: Likely benign (3). Last evaluated 2025-11-06.

Allele frequency attached by ClinVar (database versions not stated): ESP Exome Variant Server 0.00041; gnomAD 0.00046 and 0.00050; TOPMed 0.00055; gnomAD exomes 0.00003 and 0.00007; ExAC 0.00010.
gnomAD v4.1: 125 of 1,613,840 alleles (0.0077%); highest among the groups gnomAD compares: African/African-American, 0.12%; no homozygotes.

Submissions (3):

Labcorp Genetics (formerly Invitae), Labcorp
Classification: Likely benign. Last evaluated: 2025-11-06. Review status: criteria provided, single submitter. Criteria: Invitae Variant Classification Sherloc (09022015). Collection method: clinical testing. Allele origin: germline.

Mayo Clinic Laboratories, Mayo Clinic
Classification: Likely benign. Last evaluated: 2025-02-04. Review status: criteria provided, single submitter. Criteria: ACMG Guidelines, 2015. Collection method: clinical testing. Allele origin: germline. Observed: 1 variant allele.
Comment: BP4, BP7

Breakthrough Genomics
Classification: Likely benign. Review status: criteria provided, single submitter. Criteria: ACMG Guidelines, 2015. Collection method: not provided. Allele origin: germline. Inheritance: Autosomal recessive inheritance. Affected: yes.